The following is an entry in ClinVar:

NM_001805.4(CEBPE):c.779T>G (p.Leu260Arg)

Gene: CEBPE (CCAAT enhancer binding protein epsilon; minus strand). Cytogenetic location: 14q11.2.
Variant type: single nucleotide variant.
Coding change: c.779T>G on transcript NM_001805.4 (MANE Select); coding-DNA position 779, T replaced by G.
Protein change: p.Leu260Arg; replaces leucine 260 with arginine.
Molecular consequence: missense variant.
Genome position (GRCh38, 1-based): chr14:23,117,554, A>C on the plus strand (T>G on the coding strand, the complement: CEBPE is on the minus strand). VCF-style: chr14-23117554-A-C. GRCh37 (hg19) VCF-style: chr14-23586763-A-C.
Other names: short protein forms L260R.
Identifiers: ClinVar variation 2122124 (VCV002122124.4), dbSNP rs2501817351, ClinGen allele CA388951596.

ClinVar aggregate classification (germline): Uncertain significance (1 of 4 stars; one submission).

Conditions:
Specific granule deficiency. Identifiers: Orphanet 169142, MedGen C0398593, MONDO:0009506.

Submission:

Labcorp Genetics (formerly Invitae), Labcorp
Classification: Uncertain significance for Specific granule deficiency. Last evaluated: 2022-04-06. Review status: criteria provided, single submitter. Criteria: Invitae Variant Classification Sherloc (09022015). Collection method: clinical testing. Allele origin: germline.
Comment: This sequence change replaces leucine, which is neutral and non-polar, with arginine, which is basic and polar, at codon 260 of the CEBPE protein (p.Leu260Arg). In summary, the available evidence is currently insufficient to determine the role of this variant in disease. Therefore, it has been classified as a Variant of Uncertain Significance. Algorithms developed to predict the effect of missense changes on protein structure and function are either unavailable or do not agree on the potential impact of this missense change (SIFT: "Tolerated"; PolyPhen-2: "Probably Damaging"; Align-GVGD: "Class C0"). This variant has not been reported in the literature in individuals affected with CEBPE-related conditions. This variant is not present in population databases (gnomAD no frequency).